The following is an entry in ClinVar:

ClinVar aggregate classification (germline): Uncertain significance (1 of 4 stars; one submission).

Allele frequency attached by ClinVar (database versions not stated): gnomAD exomes below 0.00001; ExAC 0.00001.
gnomAD v4.1: 5 of 1,211,400 alleles (0.00041%); highest among the groups gnomAD compares: South Asian, 0.0088%; no homozygotes.

Submissions (2):

CeGaT Center for Human Genetics Tuebingen
Classification: Uncertain significance. Last evaluated: 2024-07-01. Review status: criteria provided, single submitter. Criteria: CeGaT Center For Human Genetics Tuebingen Variant Classification Criteria Version 2. Collection method: clinical testing. Allele origin: germline. Affected: yes. Observed: 1 variant allele.
Comment: GPC4: PM2

Dr. Peter K. Rogan Lab, Western University
No classification provided (evidence only). Condition: Thyroid cancer, nonmedullary, 1. Review status: no classification provided. Collection method: in vitro. Allele origin: not applicable. Functional consequence: retained intron. Not counted in ClinVar's aggregate classification.

NM_001448.3(GPC4):c.820A>G (p.Met274Val)

Gene: GPC4 (glypican 4; minus strand). Cytogenetic location: Xq26.2.
Variant type: single nucleotide variant.
Coding change: c.820A>G on transcript NM_001448.3 (MANE Select); coding-DNA position 820, A replaced by G.
Protein change: p.Met274Val; replaces methionine 274 with valine.
Molecular consequence: missense variant.
Genome position (GRCh38, 1-based): chrX:133,311,315, T>C on the plus strand (A>G on the coding strand, the complement: GPC4 is on the minus strand). VCF-style: chrX-133311315-T-C. GRCh37 (hg19) VCF-style: chrX-132445343-T-C.
Other names: NC_000023.10:g.132445343T>C; short protein forms M274V.
Identifiers: ClinVar variation 3251207 (VCV003251207.19), dbSNP rs773510836.
Genomic context (GRCh38, chrX:133,311,315, plus strand): 5'-CACCTATGAAATTGTTCCATTCAAAATCGAGATCCCCTTGGTTGGCCAAACAGCCTCTCA[T>C]GATGTTTGAGCAGTAGTTGTAACATGGCTTCACAGTCACGAGACCCCGGCAGTGGGAGCA-3'
Protein context (NP_001439.2, residues 264-284): KPCYNYCSNI[Met274Val]RGCLANQGDL